The following is an entry in ClinVar:

ClinVar aggregate classification (germline): Benign. Review status: criteria provided, multiple submitters, no conflicts (2 of 4 stars). 4 submissions from 4 submitters: Benign (3). 1 of the submissions does not count toward it. Last evaluated 2021-05-04.

Conditions:
MN1-related disorder. Also called: MN1-related condition.

Allele frequency attached by ClinVar (database versions not stated): gnomAD exomes 0.00788 and 0.01799; ExAC 0.00966; ESP Exome Variant Server 0.05889; gnomAD 0.08440 and 0.09052; 1000 Genomes Project 0.09285; TOPMed 0.09414; 1000 Genomes Project 30x 0.09947.
gnomAD v4.1: 24,281 of 1,534,322 alleles (1.6%); highest among the groups gnomAD compares: African/African-American, 29%; 3,242 homozygotes.

Submissions (4):

GeneDx
Classification: Benign. Last evaluated: 2021-05-04. Review status: criteria provided, single submitter. Criteria: GeneDx Variant Classification Process June 2021. Collection method: clinical testing. Allele origin: germline. Affected: yes.

Labcorp Genetics (formerly Invitae), Labcorp
Classification: Benign. Last evaluated: 2017-12-19. Review status: criteria provided, single submitter. Criteria: Invitae Variant Classification Sherloc (09022015). Collection method: clinical testing. Allele origin: germline.

Breakthrough Genomics
Classification: Benign. Review status: criteria provided, single submitter. Criteria: ACMG Guidelines, 2015. Collection method: not provided. Allele origin: germline. Inheritance: Autosomal dominant inheritance. Affected: yes.

PreventionGenetics, part of Exact Sciences
Classification: Benign for MN1-related condition. Last evaluated: 2019-08-01. Review status: no assertion criteria provided. Collection method: clinical testing. Allele origin: germline. Not counted in ClinVar's aggregate classification.
Comment: This variant is classified as benign based on ACMG/AMP sequence variant interpretation guidelines (Richards et al. 2015 PMID: 25741868, with internal and published modifications).

NM_002430.3(MN1):c.1785G>A (p.Val595=)

Gene: MN1 (MN1 proto-oncogene, transcriptional regulator; minus strand). Cytogenetic location: 22q12.1.
Variant type: single nucleotide variant.
Coding change: c.1785G>A on transcript NM_002430.3 (MANE Select); coding-DNA position 1785, G replaced by A.
Protein change: p.Val595=; no amino-acid change (valine 595 retained).
Molecular consequence: synonymous variant.
Genome position (GRCh38, 1-based): chr22:27,798,759, C>T on the plus strand (G>A on the coding strand, the complement: MN1 is on the minus strand). VCF-style: chr22-27798759-C-T. GRCh37 (hg19) VCF-style: chr22-28194747-C-T.
Identifiers: ClinVar variation 777678 (VCV000777678.8), dbSNP rs45554336, ClinGen allele CA10166343.